The following is an entry in ClinVar:

NM_014845.6(FIG4):c.1728A>G (p.Arg576=)

Gene: FIG4 (FIG4 phosphoinositide 5-phosphatase; plus strand). Cytogenetic location: 6q21.
Variant type: single nucleotide variant.
Coding change: c.1728A>G on transcript NM_014845.6 (MANE Select); coding-DNA position 1728, A replaced by G.
Protein change: p.Arg576=; no amino-acid change (arginine 576 retained).
Molecular consequence: synonymous variant.
Genome position (GRCh38, 1-based): chr6:109,766,873, A>G. VCF-style: chr6-109766873-A-G. GRCh37 (hg19) VCF-style: chr6-110088076-A-G.
Identifiers: ClinVar variation 963139 (VCV000963139.6), dbSNP rs1006163300, ClinGen allele CA145160109.

ClinVar aggregate classification (germline): Uncertain significance (1 of 4 stars; one submission).

Conditions:
Charcot-Marie-Tooth disease type 4. Also called: Charcot-Marie-Tooth disease, type IV; Charcot-Marie-Tooth, Type 4. Identifiers: Orphanet 64749, MedGen C4082197, MONDO:0018995.

Allele frequency attached by ClinVar (database versions not stated): gnomAD exomes below 0.00001; gnomAD 0.00002; TOPMed 0.00002.
gnomAD v4.1: 9 of 1,613,962 alleles (0.00056%); highest among the groups gnomAD compares: African/African-American, 0.0027%; no homozygotes.

Submission:

Labcorp Genetics (formerly Invitae), Labcorp
Classification: Uncertain significance for Charcot-Marie-Tooth disease type 4. Last evaluated: 2025-10-08. Review status: criteria provided, single submitter. Criteria: Invitae Variant Classification Sherloc (09022015). Collection method: clinical testing. Allele origin: germline.
Comment: This sequence change affects codon 576 of the FIG4 mRNA. It is a 'silent' change, meaning that it does not change the encoded amino acid sequence of the FIG4 protein. This variant is not present in population databases (gnomAD no frequency). This variant has not been reported in the literature in individuals affected with FIG4-related conditions. ClinVar contains an entry for this variant (Variation ID: 963139). Algorithms developed to predict the effect of sequence changes on RNA splicing suggest that this variant may create or strengthen a splice site. In summary, the available evidence is currently insufficient to determine the role of this variant in disease. Therefore, it has been classified as a Variant of Uncertain Significance.